The following is an entry in ClinVar:

NM_005591.4(MRE11):c.1458A>C (p.Lys486Asn)

Gene: MRE11 (MRE11 double strand break repair nuclease; minus strand). Cytogenetic location: 11q21.
Variant type: single nucleotide variant.
Coding change: c.1458A>C on transcript NM_005591.4 (MANE Select); coding-DNA position 1458, A replaced by C.
Protein change: p.Lys486Asn; replaces lysine 486 with asparagine.
Molecular consequence: missense variant.
Genome position (GRCh38, 1-based): chr11:94,459,450, T>G on the plus strand (A>C on the coding strand, the complement: MRE11 is on the minus strand). VCF-style: chr11-94459450-T-G. GRCh37 (hg19) VCF-style: chr11-94192616-T-G.
Other names: c.1458A>C, p.Lys486Asn (NM_001330347.2, NM_005590.4); short protein forms K486N.
Identifiers: ClinVar variation 141226 (VCV000141226.11), dbSNP rs587781590, ClinGen allele CA164841.
Genomic context (GRCh38, chr11:94,459,450, plus strand): 5'-CTCAAATTAGTTACTTACCTCCTCATCGATTTTGTCTTCGAGGGCATCAATATGACGTTC[T>G]TTAAGAAATCGCTGTGTTTTTTCCAACTGGTATTTCACTAATTCCTCAATGGCATCTTTC-3'
Protein context (NP_005582.1, residues 476-496): YQLEKTQRFL[Lys486Asn]ERHIDALEDK

ClinVar aggregate classification (germline): Uncertain significance. Review status: criteria provided, multiple submitters, no conflicts (2 of 4 stars). 3 submissions from 3 submitters: Uncertain significance (3). Last evaluated 2025-02-10.

Conditions:
Ataxia-telangiectasia-like disorder (ATLD). Identifiers: MedGen C1858391, MONDO:0011457.
Hereditary cancer-predisposing syndrome. Also called: Neoplastic Syndromes, Hereditary; Hereditary Cancer Syndrome; Tumor predisposition; Hereditary neoplastic syndrome. Identifiers: Orphanet 140162, MedGen C0027672, MeSH D009386, MONDO:0015356.

Allele frequency attached by ClinVar (database versions not stated): gnomAD 0.00001; TOPMed 0.00001.
gnomAD v4.1: 27 of 1,613,938 alleles (0.0017%); highest among the groups gnomAD compares: Non-Finnish European, 0.0021%; no homozygotes.

Submissions (3):

Labcorp Genetics (formerly Invitae), Labcorp
Classification: Uncertain significance for Ataxia-telangiectasia-like disorder. Last evaluated: 2025-02-10. Review status: criteria provided, single submitter. Criteria: Invitae Variant Classification Sherloc (09022015). Collection method: clinical testing. Allele origin: germline.
Comment: This sequence change replaces lysine, which is basic and polar, with asparagine, which is neutral and polar, at codon 486 of the MRE11 protein (p.Lys486Asn). This variant is not present in population databases (gnomAD no frequency). This variant has not been reported in the literature in individuals affected with MRE11-related conditions. ClinVar contains an entry for this variant (Variation ID: 141226). An algorithm developed to predict the effect of missense changes on protein structure and function (PolyPhen-2) suggests that this variant is likely to be tolerated. In summary, the available evidence is currently insufficient to determine the role of this variant in disease. Therefore, it has been classified as a Variant of Uncertain Significance.

Blueprint Genetics
Classification: Uncertain significance. Last evaluated: 2021-07-30. Review status: criteria provided, single submitter. Criteria: ACMG Guidelines, 2015. Collection method: clinical testing. Allele origin: germline.

Ambry Genetics
Classification: Uncertain significance for Hereditary cancer-predisposing syndrome. Last evaluated: 2021-06-08. Review status: criteria provided, single submitter. Criteria: Ambry Variant Classification Scheme 2023. Collection method: clinical testing. Allele origin: germline.
Comment: The p.K486N variant (also known as c.1458A>C), located in coding exon 12 of the MRE11A gene, results from an A to C substitution at nucleotide position 1458. The lysine at codon 486 is replaced by asparagine, an amino acid with similar properties. This amino acid position is highly conserved through mammals but not in lower vertebrate species. In addition, this alteration is predicted to be tolerated by in silico analysis. Since supporting evidence is limited at this time, the clinical significance of this variant remains unclear.